The following is an entry in ClinVar:

NM_001353921.2(ARHGEF9):c.92A>C (p.Asn31Thr)

Gene: ARHGEF9 (Cdc42 guanine nucleotide exchange factor 9; minus strand). Cytogenetic location: Xq11.1.
Variant type: single nucleotide variant.
Coding change: c.92A>C on transcript NM_001353921.2 (MANE Select); coding-DNA position 92, A replaced by C.
Protein change: p.Asn31Thr; replaces asparagine 31 with threonine.
Molecular consequence: missense variant. On other transcripts: 5 prime UTR variant (2), intron variant (6).
Genome position (GRCh38, 1-based): chrX:63,724,650, T>G on the plus strand (A>C on the coding strand, the complement: ARHGEF9 is on the minus strand). VCF-style: chrX-63724650-T-G. GRCh37 (hg19) VCF-style: chrX-62944530-T-G.
Other names: c.8A>C, p.Asn3Thr (NM_001330495.2, NM_001353927.2, NM_001369033.1 and 8 more transcripts); c.92A>C, p.Asn31Thr (NM_001353922.2); c.110A>C, p.Asn37Thr (NM_001353923.1); c.71A>C, p.Asn24Thr (NM_001353928.2, NM_001369030.1, NM_001369031.1 and 2 more transcripts); c.-372A>C (NM_001369042.1); c.-612A>C (NM_001369045.1); c.31-18201A>C (NM_001173479.2); c.10-18201A>C (NM_001369040.1, NM_001369039.1, NM_001353926.2 and 1 more transcripts); and 1 more; short protein forms N37T, N24T, N3T, N31T.
Identifiers: ClinVar variation 3720956 (VCV003720956.2).
Genomic context (GRCh38, chrX:63,724,650, plus strand): 5'-TCCTTGTTGGAAGCATCCAAGACTTTGATGACGTCGCCAGCTTTAAATGCCAACTCCCGG[T>G]TGGCCATGGTGACGTGATCCCATACTGCCTCAGCACTAACGATGGAATCTCCAGTGATCA-3'
Protein context (NP_001340850.1, residues 21-41): EAVWDHVTMA[Asn31Thr]RELAFKAGDV

ClinVar aggregate classification (germline): Uncertain significance (1 of 4 stars; one submission).

Conditions:
Developmental and epileptic encephalopathy, 8 (DEE8). Also called: HYPEREKPLEXIA AND EPILEPSY. Identifiers: Orphanet 163985, Orphanet 2076, MedGen C1845102, MONDO:0010375, OMIM 300607.

gnomAD v4.1: 1 of 1,209,403 alleles (0.000083%); highest among the groups gnomAD compares: Non-Finnish European, 0.00011%; no homozygotes.

Submission:

Labcorp Genetics (formerly Invitae), Labcorp
Classification: Uncertain significance for Developmental and epileptic encephalopathy, 8. Last evaluated: 2025-04-23. Review status: criteria provided, single submitter. Criteria: Invitae Variant Classification Sherloc (09022015). Collection method: clinical testing. Allele origin: germline.
Comment: This sequence change replaces asparagine, which is neutral and polar, with threonine, which is neutral and polar, at codon 24 of the ARHGEF9 protein (p.Asn24Thr). This variant is not present in population databases (gnomAD no frequency). This variant has not been reported in the literature in individuals affected with ARHGEF9-related conditions. ClinVar contains an entry for this variant (Variation ID: 3720956). Invitae Evidence Modeling of protein sequence and biophysical properties (such as structural, functional, and spatial information, amino acid conservation, physicochemical variation, residue mobility, and thermodynamic stability) indicates that this missense variant is not expected to disrupt ARHGEF9 protein function with a negative predictive value of 95%. In summary, the available evidence is currently insufficient to determine the role of this variant in disease. Therefore, it has been classified as a Variant of Uncertain Significance.